The following is an entry in ClinVar:

ClinVar aggregate classification (germline): Benign/Likely benign. Review status: criteria provided, multiple submitters, no conflicts (2 of 4 stars). 3 submissions from 3 submitters: Benign (1); Likely benign (1). 1 of the submissions does not count toward it. Last evaluated 2025-11-12.

Conditions:
WNT3-related disorder. Also called: WNT3-related condition.

Allele frequency attached by ClinVar (database versions not stated): ESP Exome Variant Server 0.00031; TOPMed 0.00036; 1000 Genomes Project 30x 0.00047; 1000 Genomes Project 0.00060; gnomAD exomes 0.00097 and 0.00224; gnomAD 0.00153 and 0.00158; ExAC 0.00256.
gnomAD v4.1: 1,707 of 1,613,000 alleles (0.11%); highest among the groups gnomAD compares: Non-Finnish European, 0.056%; 13 homozygotes.

Submissions (3):

Labcorp Genetics (formerly Invitae), Labcorp
Classification: Benign. Last evaluated: 2025-11-12. Review status: criteria provided, single submitter. Criteria: Invitae Variant Classification Sherloc (09022015). Collection method: clinical testing. Allele origin: germline.

CeGaT Center for Human Genetics Tuebingen
Classification: Likely benign. Last evaluated: 2023-09-01. Review status: criteria provided, single submitter. Criteria: CeGaT Center For Human Genetics Tuebingen Variant Classification Criteria Version 2. Collection method: clinical testing. Allele origin: germline. Affected: yes. Observed: 1 variant allele.
Comment: WNT3: BS2

PreventionGenetics, part of Exact Sciences
Classification: Benign for WNT3-related condition. Last evaluated: 2019-07-23. Review status: no assertion criteria provided. Collection method: clinical testing. Allele origin: germline. Not counted in ClinVar's aggregate classification.
Comment: This variant is classified as benign based on ACMG/AMP sequence variant interpretation guidelines (Richards et al. 2015 PMID: 25741868, with internal and published modifications).

NM_030753.5(WNT3):c.135C>T (p.Cys45=)

Genes: LRRC37A2 (leucine rich repeat containing 37 member A2), WNT3 (Wnt family member 3; minus strand). Cytogenetic location: 17q21.31.
Variant type: single nucleotide variant.
Coding change: c.135C>T on transcript NM_030753.5 (MANE Select); coding-DNA position 135, C replaced by T.
Protein change: p.Cys45=; no amino-acid change (cysteine 45 retained).
Molecular consequence: synonymous variant.
Genome position (GRCh38, 1-based): chr17:46,773,855, G>A on the plus strand (C>T on the coding strand, the complement: WNT3 is on the minus strand). VCF-style: chr17-46773855-G-A. GRCh37 (hg19) VCF-style: chr17-44851221-G-A.
Other names: c.135C>T (NM_030753.4).
Identifiers: ClinVar variation 1634965 (VCV001634965.33), dbSNP rs143605657, ClinGen allele CA8620670.